The following is an entry in ClinVar:

NM_000051.4(ATM):c.2863C>G (p.Pro955Ala)

Gene: ATM (ATM serine/threonine kinase; plus strand). Cytogenetic location: 11q22.3.
Variant type: single nucleotide variant.
Coding change: c.2863C>G on transcript NM_000051.4 (MANE Select); coding-DNA position 2863, C replaced by G.
Protein change: p.Pro955Ala; replaces proline 955 with alanine.
Molecular consequence: missense variant.
Genome position (GRCh38, 1-based): chr11:108,271,088, C>G. VCF-style: chr11-108271088-C-G. GRCh37 (hg19) VCF-style: chr11-108141815-C-G.
Other names: c.2863C>G, p.Pro955Ala (NM_001351834.2); short protein forms P955A.
Identifiers: ClinVar variation 3650723 (VCV003650723.2).

ClinVar aggregate classification (germline): Uncertain significance (1 of 4 stars; one submission).

Conditions:
Ataxia-telangiectasia syndrome (AT). Also called: ATAXIA-TELANGIECTASIA, COMPLEMENTATION GROUP A; ATAXIA-TELANGIECTASIA, FRESNO VARIANT; LOUIS-BAR SYNDROME; Ataxia-telangiectasia, complementation group D; Ataxia-telangiectasia, complementation group E; Cerebello-oculocutaneous telangiectasia. Identifiers: Orphanet 100, MedGen C0004135, MONDO:0008840, OMIM 208900.

Submission:

Labcorp Genetics (formerly Invitae), Labcorp
Classification: Uncertain significance for Ataxia-telangiectasia syndrome. Last evaluated: 2024-04-24. Review status: criteria provided, single submitter. Criteria: Invitae Variant Classification Sherloc (09022015). Collection method: clinical testing. Allele origin: germline.
Comment: This sequence change replaces proline, which is neutral and non-polar, with alanine, which is neutral and non-polar, at codon 955 of the ATM protein (p.Pro955Ala). This variant is not present in population databases (gnomAD no frequency). This variant has not been reported in the literature in individuals affected with ATM-related conditions. An algorithm developed to predict the effect of missense changes on protein structure and function (PolyPhen-2) suggests that this variant is likely to be disruptive. In summary, the available evidence is currently insufficient to determine the role of this variant in disease. Therefore, it has been classified as a Variant of Uncertain Significance.